The following is an entry in ClinVar:

ClinVar aggregate classification (germline): Uncertain significance (1 of 4 stars; one submission).

Conditions:
Intellectual developmental disorder, autosomal dominant 44, with microcephaly. Also called: Micrognathia-recurrent infections-behavioral abnormalities-mild intellectual disability syndrome; TRIO-Related Intellectual Disability. Identifiers: Orphanet 476126, MedGen C4310740, MONDO:0014892, OMIM 617061.

Allele frequency attached by ClinVar (database versions not stated): gnomAD exomes below 0.00001.
gnomAD v4.1: 3 of 1,540,508 alleles (0.00019%); highest among the groups gnomAD compares: Non-Finnish European, 0.00026%; no homozygotes.

Submission:

Baylor Genetics
Classification: Uncertain significance for Intellectual developmental disorder, autosomal dominant 44, with microcephaly. Last evaluated: 2020-02-14. Review status: criteria provided, single submitter. Criteria: ACMG Guidelines, 2015. Collection method: clinical testing. Allele origin: unknown. Affected: yes.
Comment: This variant was determined to be of uncertain significance according to ACMG Guidelines, 2015 [PMID:25741868].

NM_007118.4(TRIO):c.7301C>T (p.Ala2434Val)

Gene: TRIO (trio Rho guanine nucleotide exchange factor; plus strand). Cytogenetic location: 5p15.2.
Variant type: single nucleotide variant.
Coding change: c.7301C>T on transcript NM_007118.4 (MANE Select); coding-DNA position 7301, C replaced by T.
Protein change: p.Ala2434Val; replaces alanine 2434 with valine.
Molecular consequence: missense variant.
Genome position (GRCh38, 1-based): chr5:14,487,929, C>T. VCF-style: chr5-14487929-C-T. GRCh37 (hg19) VCF-style: chr5-14488038-C-T.
Other names: short protein forms A2434V.
Identifiers: ClinVar variation 1031146 (VCV001031146.1), dbSNP rs1756094324, ClinGen allele CA359237207.